The following is an entry in ClinVar:

NM_007294.4(BRCA1):c.4905_4906del (p.Lys1636fs)

Gene: BRCA1 (BRCA1 DNA repair associated; minus strand). Cytogenetic location: 17q21.31.
Variant type: Microsatellite.
Coding change: c.4905_4906del on transcript NM_007294.4 (MANE Select); coding-DNA positions 4905 to 4906, 2 bases deleted (GA; older notation c.4905_4906delGA).
Protein change: p.Lys1636fs; shifts the reading frame from lysine 1636.
Molecular consequence: frameshift variant. On other transcripts: non-coding transcript variant (1).
Genome position (GRCh38, 1-based): chr17:43,071,008-43,071,009, TC deleted on the plus strand (GA on the coding strand, the reverse complement: BRCA1 is on the minus strand); deleting any 2 consecutive bases within chr17:43,071,008-43,071,011 gives the same sequence; the c. name uses the placement nearest the transcript's 3' end. VCF-style (leftmost placement, unchanged base first): chr17-43071007-TTC-T. GRCh37 (hg19) VCF-style: chr17-41223024-TTC-T.
Other names: 5024delGA; c.4905_4906delGA (NM_007294.3); c.4762_4763GA[1], p.Lys1589Alafs (NM_001407942.1, NM_001407692.1, NM_001407694.1 and 12 more transcripts); c.4759_4760GA[1], p.Lys1588Alafs (NM_001407943.1, NM_001407944.1, NM_001407945.1 and 21 more transcripts); c.4570_4571GA[1], p.Lys1525Alafs (NM_001407946.1, NM_001407947.1, NM_001407948.1 and 1 more transcripts); c.4567_4568GA[1], p.Lys1524Alafs (NM_001407950.1, NM_001407951.1, NM_001407952.1 and 3 more transcripts); c.4564_4565GA[1], p.Lys1523Alafs (NM_001407956.1, NM_001407957.1, NM_001407958.1); c.4522_4523GA[1], p.Lys1509Alafs (NM_001407959.1); and 75 more; short protein forms K1636fs, K1657fs, K532fs, K1589fs.
Identifiers: ClinVar variation 55312 (VCV000055312.9), dbSNP rs397509203, ClinGen allele CA003074.

ClinVar aggregate classification (germline): Pathogenic. Review status: reviewed by expert panel (3 of 4 stars). 3 submissions from 3 submitters: Pathogenic (1). 2 of the submissions do not count toward it. Last evaluated 2016-10-18.

Conditions:
Hereditary cancer-predisposing syndrome. Also called: Hereditary Cancer Syndrome; Hereditary neoplastic syndrome; Neoplastic Syndromes, Hereditary; Tumor predisposition. Identifiers: Orphanet 140162, MedGen C0027672, MeSH D009386, MONDO:0015356.
Breast-ovarian cancer, familial, susceptibility to, 1 (BROVCA1). Also called: BRCA1 Hereditary Breast and Ovarian Cancer; OVARIAN CANCER, SUSCEPTIBILITY TO. Identifiers: Orphanet 145, MedGen C2676676, MONDO:0011450, OMIM 604370. Disease mechanism: loss of function.

Submissions (3):

Evidence-based Network for the Interpretation of Germline Mutant Alleles (ENIGMA)
Classification: Pathogenic for Breast-ovarian cancer, familial, susceptibility to, 1. Last evaluated: 2016-10-18. Review status: reviewed by expert panel. Criteria: ENIGMA BRCA1/2 Classification Criteria (2015). Collection method: curation. Allele origin: germline.
Comment: Variant allele predicted to encode a truncated non-functional protein.

Color Diagnostics, LLC DBA Color Health
Classification: Pathogenic for Hereditary cancer-predisposing syndrome. Last evaluated: 2022-09-12. Review status: criteria provided, single submitter. Criteria: ACMG Guidelines, 2015. Collection method: clinical testing. Allele origin: germline. Not counted in ClinVar's aggregate classification.
Comment: This variant deletes 2 nucleotides in exon 15 of the BRCA1 gene, creating a frameshift and premature translation stop signal. This variant is expected to result in an absent or non-functional protein product. This variant has been identified in 2 families among the CIMBA participants (PMID: 29446198). This variant has not been identified in the general population by the Genome Aggregation Database (gnomAD). Loss of BRCA1 function is a known mechanism of disease. Based on the available evidence, this variant is classified as Pathogenic.

Consortium of Investigators of Modifiers of BRCA1/2 (CIMBA), c/o University of Cambridge
Classification: Pathogenic for Breast-ovarian cancer, familial, susceptibility to, 1. Last evaluated: 2015-10-02. Review status: criteria provided, single submitter. Criteria: CIMBA Mutation Classification guidelines May 2016. Collection method: clinical testing. Allele origin: germline. Not counted in ClinVar's aggregate classification.

Literature cited by the submitters: PubMed 29446198 (cited by Color Diagnostics, LLC DBA Color Health).